The following is an entry in ClinVar:

NM_001379200.1(TBX1):c.1309_1314del (p.Gly437_Ala438del)

Gene: TBX1 (T-box transcription factor 1; plus strand). Cytogenetic location: 22q11.21.
Variant type: Deletion.
Coding change: c.1309_1314del on transcript NM_001379200.1 (MANE Select); coding-DNA positions 1309 to 1314, 6 bases deleted (GGGGCC; older notation c.1309_1314delGGGGCC).
Protein change: p.Gly437_Ala438del.
Molecular consequence: inframe deletion. On other transcripts: intron variant (2).
Genome position (GRCh38, 1-based): chr22:19,766,661-19,766,666, GGGGCC deleted; deleting any 6 consecutive bases within chr22:19,766,660-19,766,666 gives the same sequence; the c. name uses the placement nearest the transcript's 3' end. VCF-style (leftmost placement, unchanged base first): chr22-19766659-TCGGGGC-T. GRCh37 (hg19) VCF-style: chr22-19754182-TCGGGGC-T.
Other names: c.1282_1287del, p.Gly428_Ala429del (NM_080647.1); c.1009+659_1009+664del (NM_005992.1, NM_080646.2).
Identifiers: ClinVar variation 2662735 (VCV002662735.1), dbSNP rs2517858848, ClinGen allele CA2695200065.

ClinVar aggregate classification (germline): Uncertain significance (1 of 4 stars; one submission).

Submission:

GeneDx
Classification: Uncertain significance. Last evaluated: 2023-04-26. Review status: criteria provided, single submitter. Criteria: GeneDx Variant Classification Process June 2021. Collection method: clinical testing. Allele origin: germline. Affected: yes.
Comment: In-frame deletion of 2 amino acids in a non-repeat region; Not observed at significant frequency in large population cohorts (gnomAD); In silico analysis supports that this variant does not alter protein structure/function; Has not been previously published as pathogenic or benign to our knowledge